The following is an entry in ClinVar:

NM_006744.4(RBP4):c.218C>T (p.Ala73Val)

Gene: RBP4 (retinol binding protein 4; minus strand). Cytogenetic location: 10q23.33.
Variant type: single nucleotide variant.
Coding change: c.218C>T on transcript NM_006744.4 (MANE Select); coding-DNA position 218, C replaced by T.
Protein change: p.Ala73Val; replaces alanine 73 with valine.
Molecular consequence: missense variant.
Genome position (GRCh38, 1-based): chr10:93,600,697, G>A on the plus strand (C>T on the coding strand, the complement: RBP4 is on the minus strand). VCF-style: chr10-93600697-G-A. GRCh37 (hg19) VCF-style: chr10-95360454-G-A.
Other names: c.218C>T, p.Ala73Val (NM_001323517.1); c.212C>T, p.Ala71Val (NM_001323518.2); short protein forms A71V, A73V.
Identifiers: ClinVar variation 2430196 (VCV002430196.2), dbSNP rs2494068964, ClinGen allele CA377618041.

ClinVar aggregate classification (germline): Likely pathogenic (1 of 4 stars; one submission).

Conditions:
Anophthalmia. Identifiers: MedGen C0003119, HP:0000528. Disease mechanism: loss of function. Inheritance: Mendelian inheritance.

Submission:

Genetics Department, University Hospital of Toulouse
Classification: Likely pathogenic for Anophthalmia. Last evaluated: 2022-12-06. Review status: criteria provided, single submitter. Criteria: ACMG Guidelines, 2015. Collection method: clinical testing. Allele origin: germline. Affected: yes. Observed: 3 variant alleles.
Comment: PM1, PM2, PM5, PP2, PP3

Literature cited by the submitters: PubMed 25910211.